The following is an entry in ClinVar:

NM_000455.5(STK11):c.876C>A (p.Tyr292Ter)

Gene: STK11 (serine/threonine kinase 11; plus strand). Cytogenetic location: 19p13.3.
Variant type: single nucleotide variant.
Coding change: c.876C>A on transcript NM_000455.5 (MANE Select); coding-DNA position 876, C replaced by A.
Protein change: p.Tyr292Ter; replaces tyrosine 292 with a stop codon.
Molecular consequence: nonsense. On other transcripts: non-coding transcript variant (1).
Genome position (GRCh38, 1-based): chr19:1,221,962, C>A. VCF-style: chr19-1221962-C-A. GRCh37 (hg19) VCF-style: chr19-1221961-C-A.
Other names: c.876C>A, p.Tyr292Ter (NM_001407255.1); short protein forms Y292*.
Identifiers: ClinVar variation 3600336 (VCV003600336.2).

ClinVar aggregate classification (germline): Pathogenic. Review status: criteria provided, multiple submitters, no conflicts (2 of 4 stars). 2 submissions from 2 submitters: Pathogenic (2). Last evaluated 2025-01-10.

Conditions:
Peutz-Jeghers syndrome (PJS). Also called: Peutz-Jeghers polyposis; Periorificial lentiginosis syndrome; POLYPOSIS, HAMARTOMATOUS INTESTINAL; POLYPS-AND-SPOTS SYNDROME. Identifiers: Orphanet 2869, MedGen C0031269, MeSH D010580, MONDO:0008280, OMIM 175200.
Melanoma, cutaneous malignant, susceptibility to, 1 (CMM1). Also called: DYSPLASTIC NEVUS SYNDROME, HEREDITARY; FAMILIAL ATYPICAL MOLE-MALIGNANT MELANOMA SYNDROME; B-K MOLE SYNDROME; MELANOMA, MALIGNANT. Identifiers: Orphanet 618, MedGen C1835047, MONDO:0007963, OMIM 155600.
Germ cell tumor of testis (TGCT). Also called: GERM CELL TUMOR, SOMATIC; Testicular germ cell tumor. Identifiers: Orphanet 363504, MedGen C1336708, MONDO:0010108, OMIM 273300.
Familial pancreatic carcinoma. Identifiers: Orphanet 1333, MedGen C2931038, MONDO:0015278, OMIM 260350.

Submissions (2):

Department of Clinical Genetics, Copenhagen University Hospital, Rigshospitalet
Classification: Pathogenic for Peutz-Jeghers syndrome. Last evaluated: 2025-01-10. Review status: criteria provided, single submitter. Criteria: ACMG Guidelines, 2015. Collection method: clinical testing. Allele origin: germline. Affected: yes.
Comment: The following ACMG criteria was used: PVS1; PM2_SUP; PS4_SUP

Juno Genomics, Hangzhou Juno Genomics, Inc
Classification: Pathogenic for Germ cell tumor of testis; Melanoma, cutaneous malignant, susceptibility to, 1; Familial pancreatic carcinoma; Peutz-Jeghers syndrome. Review status: criteria provided, single submitter. Criteria: ACMG Guidelines, 2015. Collection method: clinical testing. Allele origin: germline. Affected: yes.
Comment: Absent from controls (or at extremely low frequency if recessive) in Genome Aggregation Database, Exome Sequencing Project, 1000 Genomes Project, or Exome Aggregation Consortium.;Null variant in a gene where loss of function (LOF) is a known mechanism of disease.;The prevalence of the variant in affected individuals is significantly increased compared to the prevalence in controls.

Literature cited by the submitters: PubMed 37017260 (cited by Department of Clinical Genetics, Copenhagen University Hospital, Rigshospitalet).